The following is an entry in ClinVar:

ClinVar aggregate classification (germline): Uncertain significance. Review status: criteria provided, multiple submitters, no conflicts (2 of 4 stars). 2 submissions from 2 submitters: Uncertain significance (2). Last evaluated 2025-12-09.

Conditions:
Inborn genetic diseases. Identifiers: MedGen C0950123, MeSH D030342.
Nemaline myopathy 6 (NEM6). Also called: Nemaline myopathy 6, autosomal dominant. Identifiers: Orphanet 171439, MedGen C1836472, MONDO:0012237, OMIM 609273.

Allele frequency attached by ClinVar (database versions not stated): gnomAD exomes below 0.00001 and 0.00001; ExAC 0.00001; gnomAD 0.00001; TOPMed 0.00002.
gnomAD v4.1: 5 of 1,611,560 alleles (0.00031%); highest among the groups gnomAD compares: Admixed American, 0.0033%; no homozygotes.

Submissions (2):

Labcorp Genetics (formerly Invitae), Labcorp
Classification: Uncertain significance for Nemaline myopathy 6. Last evaluated: 2025-12-09. Review status: criteria provided, single submitter. Criteria: Invitae Variant Classification Sherloc (09022015). Collection method: clinical testing. Allele origin: germline.
Comment: This sequence change replaces glutamine, which is neutral and polar, with arginine, which is basic and polar, at codon 378 of the KBTBD13 protein (p.Gln378Arg). This variant is present in population databases (rs769042275, gnomAD 0.003%). This variant has not been reported in the literature in individuals affected with KBTBD13-related conditions. ClinVar contains an entry for this variant (Variation ID: 1009264). An algorithm developed to predict the effect of missense changes on protein structure and function (PolyPhen-2) suggests that this variant is likely to be tolerated. In summary, the available evidence is currently insufficient to determine the role of this variant in disease. Therefore, it has been classified as a Variant of Uncertain Significance.

Ambry Genetics
Classification: Uncertain significance for Inborn genetic diseases. Last evaluated: 2025-05-30. Review status: criteria provided, single submitter. Criteria: Ambry Variant Classification Scheme 2023. Collection method: clinical testing. Allele origin: germline.

NM_001101362.3(KBTBD13):c.1133A>G (p.Gln378Arg)

Gene: KBTBD13 (kelch repeat and BTB domain containing 13; plus strand). Cytogenetic location: 15q22.31.
Variant type: single nucleotide variant.
Coding change: c.1133A>G on transcript NM_001101362.3 (MANE Select); coding-DNA position 1133, A replaced by G.
Protein change: p.Gln378Arg; replaces glutamine 378 with arginine.
Molecular consequence: missense variant.
Genome position (GRCh38, 1-based): chr15:65,077,948, A>G. VCF-style: chr15-65077948-A-G. GRCh37 (hg19) VCF-style: chr15-65370286-A-G.
Other names: c.1133A>G (NM_001101362.2); short protein forms Q378R.
Identifiers: ClinVar variation 1009264 (VCV001009264.9), dbSNP rs769042275, ClinGen allele CA7614084.